The following is an entry in ClinVar:

NM_001267550.2(TTN):c.21790A>C (p.Lys7264Gln)

Gene: TTN (titin; minus strand). Cytogenetic location: 2q31.2.
Variant type: single nucleotide variant.
Coding change: c.21790A>C on transcript NM_001267550.2 (MANE Select); coding-DNA position 21790, A replaced by C.
Protein change: p.Lys7264Gln; replaces lysine 7264 with glutamine.
Molecular consequence: missense variant. On other transcripts: intron variant (3).
Genome position (GRCh38, 1-based): chr2:178,723,217, T>G on the plus strand (A>C on the coding strand, the complement: TTN is on the minus strand). VCF-style: chr2-178723217-T-G. GRCh37 (hg19) VCF-style: chr2-179587944-T-G.
Other names: p.K6947Q:AAA>CAA; c.20839A>C, p.Lys6947Gln (NM_001256850.1); c.18058A>C, p.Lys6020Gln (NM_133378.4); c.13282+14865A>C (NM_003319.4); c.13858+14865A>C (NM_133437.4); c.13657+14865A>C (NM_133432.3); short protein forms K6947Q, K7264Q, K6020Q.
Identifiers: ClinVar variation 203301 (VCV000203301.6), dbSNP rs776072028, ClinGen allele CA311971.

ClinVar aggregate classification (germline): Uncertain significance. Review status: criteria provided, multiple submitters, no conflicts (2 of 4 stars). 3 submissions from 3 submitters: Uncertain significance (3). Last evaluated 2026-03-04.

Conditions:
TTN-related disorder. Also called: TTN-related condition; TTN-related disease; TTN-related disorders.

Allele frequency attached by ClinVar (database versions not stated): TOPMed below 0.00001; gnomAD exomes 0.00001; ExAC 0.00002; gnomAD 0.00002.
gnomAD v4.1: 20 of 1,613,446 alleles (0.0012%); highest among the groups gnomAD compares: African/African-American, 0.004%; no homozygotes.

Submissions (3):

PreventionGenetics, part of Exact Sciences
Classification: Uncertain significance for TTN-related condition. Last evaluated: 2026-03-04. Review status: criteria provided, single submitter. Criteria: ACMG Guidelines, 2015. Collection method: clinical testing. Allele origin: germline.
Comment: The TTN c.21790A>C variant is predicted to result in the amino acid substitution p.Lys7264Gln. To our knowledge, this variant has not been reported in the literature. This variant is reported in 0.0041% of alleles in individuals of African descent in gnomAD. At this time, the clinical significance of this variant is uncertain due to the absence of conclusive functional and genetic evidence.

Revvity Omics, Revvity
Classification: Uncertain significance. Last evaluated: 2021-02-18. Review status: criteria provided, single submitter. Criteria: ACMG Guidelines, 2015. Collection method: clinical testing. Allele origin: germline.

GeneDx
Classification: Uncertain significance. Last evaluated: 2014-04-01. Review status: criteria provided, single submitter. Criteria: GeneDx Variant Classification (06012015). Collection method: clinical testing. Allele origin: germline. Affected: yes.
Comment: Missense variants in the TTN gene are considered 'unclassified' if they are not previously reported in the literature and do not have >1% frequency in the population to be considered a polymorphism. Research indicates that truncating mutations in the TTN gene are expected to account for approximately 25% of familial and 18% of sporadic idiopathic DCM; however, truncating variants in the TTN gene have been reported in approximately 3% of reported control alleles. There has been little investigation into non-truncating variants. (Herman D et al. Truncations of titin causing dilated cardiomyopathy. N Eng J Med 366:619-628, 2012) The variant is found in CARDIOMYOPATHY panel(s).